The following is an entry in ClinVar:

ClinVar aggregate classification (germline): Uncertain significance (1 of 4 stars; one submission).

Allele frequency attached by ClinVar (database versions not stated): gnomAD exomes below 0.00001.
gnomAD v4.1: 2 of 1,583,396 alleles (0.00013%); highest among the groups gnomAD compares: Middle Eastern, 0.017%; no homozygotes.

Submission:

Labcorp Genetics (formerly Invitae), Labcorp
Classification: Uncertain significance. Last evaluated: 2022-08-31. Review status: criteria provided, single submitter. Criteria: Invitae Variant Classification Sherloc (09022015). Collection method: clinical testing. Allele origin: germline.
Comment: In summary, the available evidence is currently insufficient to determine the role of this variant in disease. Therefore, it has been classified as a Variant of Uncertain Significance. Algorithms developed to predict the effect of missense changes on protein structure and function are either unavailable or do not agree on the potential impact of this missense change (SIFT: "Tolerated"; PolyPhen-2: "Not Available"; Align-GVGD: "Class C0"). ClinVar contains an entry for this variant (Variation ID: 1402853). This variant has not been reported in the literature in individuals affected with PCDH15-related conditions. The frequency data for this variant in the population databases is considered unreliable, as metrics indicate poor data quality at this position in the gnomAD database. This sequence change replaces leucine, which is neutral and non-polar, with histidine, which is basic and polar, at codon 1765 of the PCDH15 protein (p.Leu1765His).

NM_033056.4(PCDH15):c.5294T>A (p.Leu1765His)

Gene: PCDH15 (protocadherin related 15; minus strand). Cytogenetic location: 10q21.1.
Variant type: single nucleotide variant.
Coding change: c.5294T>A on transcript NM_033056.4 (MANE Plus Clinical); coding-DNA position 5294, T replaced by A.
Protein change: p.Leu1765His; replaces leucine 1765 with histidine.
Molecular consequence: missense variant. On other transcripts: intron variant (8).
Genome position (GRCh38, 1-based): chr10:53,822,432, A>T on the plus strand (T>A on the coding strand, the complement: PCDH15 is on the minus strand). VCF-style: chr10-53822432-A-T. GRCh37 (hg19) VCF-style: chr10-55582192-A-T.
Other names: c.4388+4961T>A (NM_001354411.2); c.4409+2704T>A (NM_001142769.3); c.5315T>A, p.Leu1772His (NM_001142763.2); c.5300T>A, p.Leu1767His (NM_001142764.2); c.5087T>A, p.Leu1696His (NM_001142765.2); c.5285T>A, p.Leu1762His (NM_001142766.2); c.5174T>A, p.Leu1725His (NM_001142767.2); c.5234T>A, p.Leu1745His (NM_001142768.2); and 7 more; short protein forms L1743H, L1765H, L1772H, L1725H, L1696H, L1742H, L1762H, L1767H.
Identifiers: ClinVar variation 1402853 (VCV001402853.8), dbSNP rs1564534077, ClinGen allele CA376525221.